The following is an entry in ClinVar:

ClinVar aggregate classification (germline): Conflicting classifications of pathogenicity. Review status: criteria provided, conflicting classifications (1 of 4 stars). 8 submissions from 8 submitters: Uncertain significance (2); Benign (1); Likely benign (4). 1 of the submissions does not count toward it. Last evaluated 2026-02-03.

Conditions:
POLG-related disorder. Also called: POLG-Related Spectrum Disorders; POLG-related condition; POLG-Related Disorders. Identifiers: MedGen C4763519.
Hereditary spastic paraplegia. Also called: Familial spastic paraparesis. Identifiers: Orphanet 685, MedGen C0037773, MONDO:0019064. Disease mechanism: loss of function.
Progressive sclerosing poliodystrophy (MTDPS4A). Also called: Alpers Syndrome; Mitochondrial DNA depletion syndrome 4A (Alpers type); Alpers-Huttenlocher Syndrome (AHS); ALPERS PROGRESSIVE INFANTILE POLIODYSTROPHY; Mitochondrial DNA Depletion Syndrome 4A; NEURONAL DEGENERATION OF CHILDHOOD WITH LIVER DISEASE, PROGRESSIVE. Identifiers: Orphanet 726, MedGen C0205710, MONDO:0008758, OMIM 203700.

Allele frequency attached by ClinVar (database versions not stated): gnomAD exomes 0.00008 and 0.00014; ExAC 0.00017; gnomAD 0.00058 and 0.00061; TOPMed 0.00062; ESP Exome Variant Server 0.00077; 1000 Genomes Project 30x 0.00078; 1000 Genomes Project 0.00080.
gnomAD v4.1: 208 of 1,614,246 alleles (0.013%); highest among the groups gnomAD compares: African/African-American, 0.21%; 1 homozygote.

Submissions (8):

Labcorp Genetics (formerly Invitae), Labcorp
Classification: Likely benign for Progressive sclerosing poliodystrophy. Last evaluated: 2026-02-03. Review status: criteria provided, single submitter. Criteria: Invitae Variant Classification Sherloc (09022015). Collection method: clinical testing. Allele origin: germline.

Blueprint Genetics
Classification: Likely benign. Last evaluated: 2024-07-09. Review status: criteria provided, single submitter. Criteria: ACMG Guidelines, 2015. Collection method: clinical testing. Allele origin: germline.

Genome Diagnostics Laboratory, The Hospital for Sick Children
Classification: Likely benign for Hereditary spastic paraplegia. Last evaluated: 2021-06-16. Review status: criteria provided, single submitter. Criteria: ACMG Guidelines, 2015. Collection method: clinical testing. Allele origin: germline. Affected: yes.

Wong Mito Lab, Molecular and Human Genetics, Baylor College of Medicine
Classification: Likely benign for Progressive sclerosing poliodystrophy. Last evaluated: 2018-10-01. Review status: criteria provided, single submitter. Criteria: ACMG Guidelines, 2015. Collection method: clinical testing. Allele origin: germline.
Comment: The NM_002693.2:c.1386G>A (NP_002684.1:p.Ser462=) [GRCH38: NC_000015.10:g.89327214C>T] variant in POLG gene is interpretated to be a Likely Benign based on ACMG guidelines (PMID: 25741868). This variant meets the following evidence codes reported in the ACMG-guideline. BS1:The minor allele frequency of this allele is high for Mitochondrial DNA depletion syndrome 4A (Alpers type). BP4:Computational evidence/predictors indicate no impact on the POLG structure, function, or protein-protein interaction. BP7:The variant is silent with non predicted splice impact. Based on the evidence criteria codes applied, the variant is suggested to be Likely Benign.

Illumina Laboratory Services, Illumina
Classification: Uncertain significance for POLG-Related Spectrum Disorders. Last evaluated: 2018-01-13. Review status: criteria provided, single submitter. Criteria: ICSL Variant Classification Criteria 13 December 2019. Collection method: clinical testing. Allele origin: germline.

Eurofins Ntd Llc (ga)
Classification: Uncertain significance. Last evaluated: 2016-11-15. Review status: criteria provided, single submitter. Criteria: EGL Classification Definitions 2015. Collection method: clinical testing. Allele origin: germline. Observed: 5 variant alleles, 5 heterozygotes.

GeneDx
Classification: Benign. Last evaluated: 2014-04-17. Review status: criteria provided, single submitter. Criteria: GeneDx Variant Classification (06012015). Collection method: clinical testing. Allele origin: germline. Affected: yes.
Comment: This variant is considered likely benign or benign based on one or more of the following criteria: it is a conservative change, it occurs at a poorly conserved position in the protein, it is predicted to be benign by multiple in silico algorithms, and/or has population frequency not consistent with disease.

PreventionGenetics, part of Exact Sciences
Classification: Likely benign for POLG-related condition. Last evaluated: 2020-04-20. Review status: no assertion criteria provided. Collection method: clinical testing. Allele origin: germline. Not counted in ClinVar's aggregate classification.
Comment: This variant is classified as likely benign based on ACMG/AMP sequence variant interpretation guidelines (Richards et al. 2015 PMID: 25741868, with internal and published modifications).

NM_002693.3(POLG):c.1386G>A (p.Ser462=)

Gene: POLG (DNA polymerase gamma, catalytic subunit; minus strand). Cytogenetic location: 15q26.1.
Variant type: single nucleotide variant.
Coding change: c.1386G>A on transcript NM_002693.3 (MANE Select); coding-DNA position 1386, G replaced by A.
Protein change: p.Ser462=; no amino-acid change (serine 462 retained).
Molecular consequence: synonymous variant.
Genome position (GRCh38, 1-based): chr15:89,327,214, C>T on the plus strand (G>A on the coding strand, the complement: POLG is on the minus strand). VCF-style: chr15-89327214-C-T. GRCh37 (hg19) VCF-style: chr15-89870445-C-T.
Other names: p.S462S:TCG>TCA; c.1386G>A, p.Ser462= (NM_001126131.2).
Identifiers: ClinVar variation 138775 (VCV000138775.24), dbSNP rs62640034, ClinGen allele CA292873.